The following is an entry in ClinVar:

ClinVar aggregate classification (germline): Pathogenic. Review status: criteria provided, multiple submitters, no conflicts (2 of 4 stars). 3 submissions from 3 submitters: Pathogenic (2). 1 of the submissions does not count toward it. Last evaluated 2024-02-07.

Conditions:
Glycogen storage disease, type VI (GSD6). Also called: Glycogen storage disease type 6; Hepatic glycogen phosphorylase deficiency; Glycogen storage disease type 6, due to phosphorylation; GSD VI; HERS DISEASE; PHOSPHORYLASE DEFICIENCY GLYCOGEN-STORAGE DISEASE OF LIVER. Identifiers: Orphanet 369, MedGen C0017925, MONDO:0009294, OMIM 232700.

Allele frequency attached by ClinVar (database versions not stated): ExAC 0.00002; gnomAD exomes 0.00002 and 0.00003; TOPMed 0.00002; gnomAD 0.00005; ESP Exome Variant Server 0.00008.

Submissions (3):

Fulgent Genetics
Classification: Pathogenic for Glycogen storage disease, type VI. Last evaluated: 2024-02-07. Review status: criteria provided, single submitter. Criteria: ACMG Guidelines, 2015. Collection method: clinical testing. Allele origin: germline.

Labcorp Genetics (formerly Invitae), Labcorp
Classification: Pathogenic for Glycogen storage disease, type VI. Last evaluated: 2022-03-22. Review status: criteria provided, single submitter. Criteria: Invitae Variant Classification Sherloc (09022015). Collection method: clinical testing. Allele origin: germline.
Comment: ClinVar contains an entry for this variant (Variation ID: 21337). This premature translational stop signal has been observed in individual(s) with glycogen storage disease type VI (PMID: 32268899). This variant is present in population databases (rs113993973, gnomAD 0.005%). This sequence change creates a premature translational stop signal (p.Arg94*) in the PYGL gene. It is expected to result in an absent or disrupted protein product. Loss-of-function variants in PYGL are known to be pathogenic (PMID: 9536091, 21646031). For these reasons, this variant has been classified as Pathogenic.

GeneReviews
No classification provided. Condition: Glycogen storage disease, type VI. Review status: no classification provided. Collection method: literature only. Allele origin: unknown. Not counted in ClinVar's aggregate classification.

Literature cited by the submitters: PubMed 32268899 (cited by Labcorp Genetics (formerly Invitae), Labcorp); PubMed 9536091 (cited by Labcorp Genetics (formerly Invitae), Labcorp); PubMed 21646031 (cited by Labcorp Genetics (formerly Invitae), Labcorp); PubMed 20301760 (cited by GeneReviews); NCBI Bookshelf NBK5941 (cited by GeneReviews).

NM_002863.5(PYGL):c.280C>T (p.Arg94Ter)

Gene: PYGL (glycogen phosphorylase L; minus strand). Cytogenetic location: 14q22.1.
Variant type: single nucleotide variant.
Coding change: c.280C>T on transcript NM_002863.5 (MANE Select); coding-DNA position 280, C replaced by T.
Protein change: p.Arg94Ter; replaces arginine 94 with a stop codon.
Molecular consequence: nonsense. On other transcripts: intron variant (1).
Genome position (GRCh38, 1-based): chr14:50,937,801, G>A on the plus strand (C>T on the coding strand, the complement: PYGL is on the minus strand). VCF-style: chr14-50937801-G-A. GRCh37 (hg19) VCF-style: chr14-51404519-G-A.
Other names: c.244-2616C>T (NM_001163940.2); short protein forms R94*.
Identifiers: ClinVar variation 21337 (VCV000021337.12), dbSNP rs113993973, ClinGen allele CA341922.
Genomic context (GRCh38, chr14:50,937,801, plus strand): 5'-AAATGGCCTCATCACAGGCATTTTGCAGACCGAGGTTGATCATGGTGTTCTGTAATGTTC[G>A]GCCCATGTAAAATTCCAGAGAGAGGTAATATACCCTCTGAAATAAAGAAAAGAGAGATAA-3'